The following is an entry in ClinVar:

ClinVar aggregate classification (germline): Likely pathogenic (1 of 4 stars; one submission).

Conditions:
Charlevoix-Saguenay spastic ataxia (SACS). Also called: SPASTIC ATAXIA 6, AUTOSOMAL RECESSIVE; Spastic ataxia of Charlevoix-Saguenay; AUTOSOMAL RECESSIVE SPASTIC ATAXIA OF CHARLEVOIX-SAGUENAY. Identifiers: Orphanet 98, MedGen C1849140, MONDO:0010041, OMIM 270550.

gnomAD v4.1: 1 of 1,613,796 alleles (0.000062%); highest among the groups gnomAD compares: Non-Finnish European, 0.000085%; no homozygotes.

Submission:

3billion
Classification: Likely pathogenic for Charlevoix-Saguenay spastic ataxia. Last evaluated: 2025-08-18. Review status: criteria provided, single submitter. Criteria: ACMG Guidelines, 2015. Collection method: clinical testing. Allele origin: germline. Affected: yes.
Comment: The variant is observed at an extremely low frequency in the gnomAD v4.1.0 dataset (total allele frequency: <0.001%). Predicted Consequence/Location: Stop-gained (nonsense): predicted to result in a loss or disruption of normal protein function through protein truncation. The predicted truncated protein may be shortened by more than 10%. Therefore, this variant is classified as Likely pathogenic according to the recommendation of ACMG/AMP guideline.

NM_014363.6(SACS):c.10136T>A (p.Leu3379Ter)

Gene: SACS (sacsin molecular chaperone; minus strand). Cytogenetic location: 13q12.12.
Variant type: single nucleotide variant.
Coding change: c.10136T>A on transcript NM_014363.6 (MANE Select); coding-DNA position 10136, T replaced by A.
Protein change: p.Leu3379Ter; replaces leucine 3379 with a stop codon.
Molecular consequence: nonsense.
Genome position (GRCh38, 1-based): chr13:23,333,740, A>T on the plus strand (T>A on the coding strand, the complement: SACS is on the minus strand). VCF-style: chr13-23333740-A-T. GRCh37 (hg19) VCF-style: chr13-23907879-A-T.
Other names: c.9695T>A, p.Leu3232Ter (NM_001278055.2); c.10163T>A, p.Leu3388Ter (NM_001437336.1); short protein forms L3232*, L3379*, L3388*.
Identifiers: ClinVar variation 4854317 (VCV004854317.1).